The following is an entry in ClinVar:

ClinVar aggregate classification (germline): Conflicting classifications of pathogenicity. Review status: criteria provided, conflicting classifications (1 of 4 stars). 2 submissions from 2 submitters: Likely pathogenic (1); Uncertain significance (1). Last evaluated 2023-06-13.

Conditions:
Insulin-dependent diabetes mellitus secretory diarrhea syndrome (IPEX). Also called: DIABETES MELLITUS, CONGENITAL INSULIN-DEPENDENT, WITH FATAL SECRETORY DIARRHEA; DIARRHEA, POLYENDOCRINOPATHY, FATAL INFECTION SYNDROME, X-LINKED; ENTEROPATHY, AUTOIMMUNE, WITH HEMOLYTIC ANEMIA AND POLYENDOCRINOPATHY; X-Linked Autoimmunity-Allergic Dysregulation Syndrome; IPEX and IPEX-Like; Immunodysregulation, polyendocrinopathy, and enteropathy, X-linked. Identifiers: Orphanet 37042, MedGen C0342288, MONDO:0010580, OMIM 304790. Disease mechanism: loss of function.

Submissions (2):

GeneDx
Classification: Likely pathogenic. Last evaluated: 2023-06-13. Review status: criteria provided, single submitter. Criteria: GeneDx Variant Classification Process June 2021. Collection method: clinical testing. Allele origin: germline. Affected: yes.
Comment: Not observed at significant frequency in large population cohorts (gnomAD); In silico analysis supports that this missense variant has a deleterious effect on protein structure/function; This variant is associated with the following publications: (PMID: 30385752)

Labcorp Genetics (formerly Invitae), Labcorp
Classification: Uncertain significance for Insulin-dependent diabetes mellitus secretory diarrhea syndrome. Last evaluated: 2023-05-20. Review status: criteria provided, single submitter. Criteria: Invitae Variant Classification Sherloc (09022015). Collection method: clinical testing. Allele origin: germline.
Comment: This sequence change replaces tyrosine, which is neutral and polar, with cysteine, which is neutral and slightly polar, at codon 364 of the FOXP3 protein (p.Tyr364Cys). This variant is not present in population databases (gnomAD no frequency). This missense change has been observed in individual(s) with IPEX syndrome (PMID: 30385752). Advanced modeling of protein sequence and biophysical properties (such as structural, functional, and spatial information, amino acid conservation, physicochemical variation, residue mobility, and thermodynamic stability) has been performed at Invitae for this missense variant, however the output from this modeling did not meet the statistical confidence thresholds required to predict the impact of this variant on FOXP3 protein function. In summary, the available evidence is currently insufficient to determine the role of this variant in disease. Therefore, it has been classified as a Variant of Uncertain Significance.

Literature cited by the submitters: PubMed 30385752 (cited by Labcorp Genetics (formerly Invitae), Labcorp).

NM_014009.4(FOXP3):c.1091A>G (p.Tyr364Cys)

Gene: FOXP3 (forkhead box P3; minus strand). Cytogenetic location: Xp11.23.
Variant type: single nucleotide variant.
Coding change: c.1091A>G on transcript NM_014009.4 (MANE Select); coding-DNA position 1091, A replaced by G.
Protein change: p.Tyr364Cys; replaces tyrosine 364 with cysteine.
Molecular consequence: missense variant.
Genome position (GRCh38, 1-based): chrX:49,251,719, T>C on the plus strand (A>G on the coding strand, the complement: FOXP3 is on the minus strand). VCF-style: chrX-49251719-T-C. GRCh37 (hg19) VCF-style: chrX-49108180-T-C.
Other names: c.986A>G, p.Tyr329Cys (NM_001114377.2); short protein forms Y329C, Y364C.
Identifiers: ClinVar variation 2910487 (VCV002910487.4), dbSNP rs2519186420, ClinGen allele CA412948872.